The following is an entry in ClinVar:

ClinVar aggregate classification (germline): Conflicting classifications of pathogenicity. Review status: criteria provided, conflicting classifications (1 of 4 stars). 3 submissions from 3 submitters: Uncertain significance (2); Likely benign (1). Last evaluated 2023-03-30.

Allele frequency attached by ClinVar (database versions not stated): TOPMed below 0.00001; gnomAD 0.00001; gnomAD exomes 0.00001.

Submissions (3):

Women's Health and Genetics/Laboratory Corporation of America, LabCorp
Classification: Uncertain significance. Last evaluated: 2023-03-30. Review status: criteria provided, single submitter. Criteria: LabCorp Variant Classification Summary - May 2015. Collection method: clinical testing. Allele origin: germline.
Comment: Variant summary: WNT5A c.530G>C (p.Trp177Ser) results in a non-conservative amino acid change in the encoded protein sequence. Five of five in-silico tools predict a damaging effect of the variant on protein function. The variant was absent in 210738 control chromosomes (gnomAD). The available data on variant occurrences in the general population are insufficient to allow any conclusion about variant significance. To our knowledge, no occurrence of c.530G>C in individuals affected with Autosomal Dominant Robinow Syndrome 1 and no experimental evidence demonstrating its impact on protein function have been reported. Two ClinVar submitters have assessed the variant since 2014: one classified the variant as uncertain significance and one as likely benign. Based on the evidence outlined above, the variant was classified as uncertain significance.

Labcorp Genetics (formerly Invitae), Labcorp
Classification: Likely benign. Last evaluated: 2022-08-15. Review status: criteria provided, single submitter. Criteria: Invitae Variant Classification Sherloc (09022015). Collection method: clinical testing. Allele origin: germline.

GeneDx
Classification: Uncertain significance. Last evaluated: 2019-03-31. Review status: criteria provided, single submitter. Criteria: GeneDx Variant Classification Process June 2021. Collection method: clinical testing. Allele origin: germline. Affected: yes.
Comment: Has not been previously published as pathogenic or benign to our knowledge; Not observed in large population cohorts (Lek et al., 2016); In silico analysis, which includes protein predictors and evolutionary conservation, supports a deleterious effect

NM_003392.7(WNT5A):c.530G>C (p.Trp177Ser)

Gene: WNT5A (Wnt family member 5A; minus strand). Cytogenetic location: 3p14.3.
Variant type: single nucleotide variant.
Coding change: c.530G>C on transcript NM_003392.7 (MANE Select); coding-DNA position 530, G replaced by C.
Protein change: p.Trp177Ser; replaces tryptophan 177 with serine.
Molecular consequence: missense variant.
Genome position (GRCh38, 1-based): chr3:55,474,491, C>G on the plus strand (G>C on the coding strand, the complement: WNT5A is on the minus strand). VCF-style: chr3-55474491-C-G. GRCh37 (hg19) VCF-style: chr3-55508519-C-G.
Other names: c.485G>C, p.Trp162Ser (NM_001256105.1, NM_001377271.1, NM_001377272.1); short protein forms W162S, W177S.
Identifiers: ClinVar variation 1308368 (VCV001308368.7), dbSNP rs1231823028, ClinGen allele CA353275180.